The following is an entry in ClinVar:

ClinVar aggregate classification (germline): Uncertain significance (1 of 4 stars; one submission).

Conditions:
Congenital fibrosis of extraocular muscles type 1. Also called: BLEPHAROPTOSIS WITH ABSENT EYE MOVEMENTS; OPHTHALMOPLEGIA, CONGENITAL; FEOM1 LOCUS; CFEOM3B. Identifiers: MedGen C1851102, MONDO:0021083, OMIM 135700.

gnomAD v4.1: 4 of 1,522,242 alleles (0.00026%); highest among the groups gnomAD compares: Non-Finnish European, 0.00035%; no homozygotes.

Submission:

MGZ Medical Genetics Center
Classification: Uncertain significance for Congenital fibrosis of extraocular muscles type 1. Last evaluated: 2022-03-31. Review status: criteria provided, single submitter. Criteria: ACMG Guidelines, 2015. Collection method: clinical testing. Allele origin: germline. Affected: yes. Observed: 1 variant allele.
Comment: ACMG criteria applied: PM2_SUP

NM_001173464.2(KIF21A):c.10G>A (p.Ala4Thr)

Gene: KIF21A (kinesin family member 21A; minus strand). Cytogenetic location: 12q12.
Variant type: single nucleotide variant.
Coding change: c.10G>A on transcript NM_001173464.2 (MANE Select); coding-DNA position 10, G replaced by A.
Protein change: p.Ala4Thr; replaces alanine 4 with threonine.
Molecular consequence: missense variant.
Genome position (GRCh38, 1-based): chr12:39,442,961, C>T on the plus strand (G>A on the coding strand, the complement: KIF21A is on the minus strand). VCF-style: chr12-39442961-C-T. GRCh37 (hg19) VCF-style: chr12-39836763-C-T.
Other names: c.10G>A, p.Ala4Thr (NM_001173463.2, NM_001173465.2, NM_001378439.1 and 3 more transcripts); short protein forms A4T.
Identifiers: ClinVar variation 1709099 (VCV001709099.2), dbSNP rs2140543663, ClinGen allele CA384582437.